The following is an entry in ClinVar:

NM_033026.6(PCLO):c.4669C>A (p.Arg1557=)

Gene: PCLO (piccolo presynaptic cytomatrix protein; minus strand). Cytogenetic location: 7q21.11.
Variant type: single nucleotide variant.
Coding change: c.4669C>A on transcript NM_033026.6 (MANE Select); coding-DNA position 4669, C replaced by A.
Protein change: p.Arg1557=; no amino-acid change (arginine 1557 retained).
Molecular consequence: synonymous variant.
Genome position (GRCh38, 1-based): chr7:82,956,284, G>T on the plus strand (C>A on the coding strand, the complement: PCLO is on the minus strand). VCF-style: chr7-82956284-G-T. GRCh37 (hg19) VCF-style: chr7-82585600-G-T.
Other names: c.4669C>A, p.Arg1557= (NM_014510.3).
Identifiers: ClinVar variation 780694 (VCV000780694.12), dbSNP rs143520608, ClinGen allele CA4320779.

ClinVar aggregate classification (germline): Benign. Review status: criteria provided, single submitter (1 of 4 stars). 2 submissions from 2 submitters: Benign (1). 1 of the submissions does not count toward it. Last evaluated 2026-02-03.

Conditions:
PCLO-related disorder. Also called: PCLO-related condition.

Allele frequency attached by ClinVar (database versions not stated): ESP Exome Variant Server 0.00025; gnomAD 0.00105 and 0.00134; TOPMed 0.00164; 1000 Genomes Project 0.00379; 1000 Genomes Project 30x 0.00406.
gnomAD v4.1: 1,571 of 1,612,342 alleles (0.097%); highest among the groups gnomAD compares: East Asian, 2.6%; 22 homozygotes.

Submissions (2):

Labcorp Genetics (formerly Invitae), Labcorp
Classification: Benign. Last evaluated: 2026-02-03. Review status: criteria provided, single submitter. Criteria: Invitae Variant Classification Sherloc (09022015). Collection method: clinical testing. Allele origin: germline.

PreventionGenetics, part of Exact Sciences
Classification: Benign for PCLO-related condition. Last evaluated: 2019-08-22. Review status: no assertion criteria provided. Collection method: clinical testing. Allele origin: germline. Not counted in ClinVar's aggregate classification.
Comment: This variant is classified as benign based on ACMG/AMP sequence variant interpretation guidelines (Richards et al. 2015 PMID: 25741868, with internal and published modifications).